The following is an entry in ClinVar:

NM_198253.3(TERT):c.2188G>A (p.Ala730Thr)

Gene: TERT (telomerase reverse transcriptase; minus strand). Cytogenetic location: 5p15.33.
Variant type: single nucleotide variant.
Coding change: c.2188G>A on transcript NM_198253.3 (MANE Select); coding-DNA position 2188, G replaced by A.
Protein change: p.Ala730Thr; replaces alanine 730 with threonine.
Molecular consequence: missense variant. On other transcripts: non-coding transcript variant (2).
Genome position (GRCh38, 1-based): chr5:1,278,739, C>T on the plus strand (G>A on the coding strand, the complement: TERT is on the minus strand). VCF-style: chr5-1278739-C-T. GRCh37 (hg19) VCF-style: chr5-1278854-C-T.
Other names: c.2188G>A, p.Ala730Thr (NM_001193376.3); short protein forms A730T.
Identifiers: ClinVar variation 471856 (VCV000471856.12), dbSNP rs761116773, ClinGen allele CA3184629.

ClinVar aggregate classification (germline): Uncertain significance. Review status: criteria provided, multiple submitters, no conflicts (2 of 4 stars). 4 submissions from 4 submitters: Uncertain significance (4). Last evaluated 2025-10-14.

Conditions:
Dyskeratosis congenita, autosomal dominant 2. Identifiers: MedGen C3151443, MONDO:0013521, OMIM 613989.
Idiopathic Pulmonary Fibrosis. Also called: Idiopathic fibrosing alveolitis, chronic form; idiopathic fibrosing alveolitis. Identifiers: Orphanet 2032, MedGen C1800706, MeSH D054990, MONDO:0800504.
Dyskeratosis congenita. Identifiers: Orphanet 1775, MedGen C0265965, MONDO:0015780.

Allele frequency attached by ClinVar (database versions not stated): ExAC 0.00002; gnomAD 0.00003 and 0.00004; gnomAD exomes 0.00004; TOPMed 0.00006.
gnomAD v4.1: 26 of 1,614,066 alleles (0.0016%); highest among the groups gnomAD compares: Admixed American, 0.022%; no homozygotes.

Submissions (4):

Labcorp Genetics (formerly Invitae), Labcorp
Classification: Uncertain significance for Dyskeratosis congenita, autosomal dominant 2; Idiopathic Pulmonary Fibrosis. Last evaluated: 2025-10-14. Review status: criteria provided, single submitter. Criteria: Invitae Variant Classification Sherloc (09022015). Collection method: clinical testing. Allele origin: germline.
Comment: This sequence change replaces alanine, which is neutral and non-polar, with threonine, which is neutral and polar, at codon 730 of the TERT protein (p.Ala730Thr). This variant is present in population databases (rs761116773, gnomAD 0.03%). This missense change has been observed in individual(s) with aplastic anemia (PMID: 30523342). ClinVar contains an entry for this variant (Variation ID: 471856). Invitae Evidence Modeling of protein sequence and biophysical properties (such as structural, functional, and spatial information, amino acid conservation, physicochemical variation, residue mobility, and thermodynamic stability) has been performed for this missense variant. However, the output from this modeling did not meet the statistical confidence thresholds required to predict the impact of this variant on TERT protein function. In summary, the available evidence is currently insufficient to determine the role of this variant in disease. Therefore, it has been classified as a Variant of Uncertain Significance.

Ambry Genetics
Classification: Uncertain significance for Dyskeratosis congenita. Last evaluated: 2024-08-29. Review status: criteria provided, single submitter. Criteria: Ambry Variant Classification Scheme 2023. Collection method: clinical testing. Allele origin: germline.
Comment: The p.A730T variant (also known as c.2188G>A), located in coding exon 6 of the TERT gene, results from a G to A substitution at nucleotide position 2188. The alanine at codon 730 is replaced by threonine, an amino acid with similar properties. This variant was reported in multiple individuals with features consistent with TERT-related disorder (Dressen A et al. Lancet Respir Med, 2018 Aug;6:603-614; Gutierrez-Rodrigues F et al. Genet Med, 2019 Jul;21:1594-1602). This amino acid position is not well conserved in available vertebrate species. In addition, the in silico prediction for this alteration is inconclusive. Based on the available evidence, the clinical significance of this variant remains unclear.

GeneDx
Classification: Uncertain significance. Last evaluated: 2024-08-07. Review status: criteria provided, single submitter. Criteria: GeneDx Variant Classification Process June 2021. Collection method: clinical testing. Allele origin: germline. Affected: yes.
Comment: In silico analysis indicates that this missense variant does not alter protein structure/function; Observed in a patient with aplastic anemia (PMID: 30523342); This variant is associated with the following publications: (PMID: 30523342)

Baylor Genetics
Classification: Uncertain significance for Dyskeratosis congenita, autosomal dominant 2. Last evaluated: 2023-08-23. Review status: criteria provided, single submitter. Criteria: ACMG Guidelines, 2015. Collection method: clinical testing. Allele origin: unknown.

Literature cited by the submitters: PubMed 30523342 (cited by Labcorp Genetics (formerly Invitae), Labcorp and Ambry Genetics); PubMed 29891356 (cited by Ambry Genetics).